The following is an entry in ClinVar:

NM_001009999.3(KDM1A):c.1865C>T (p.Ser622Leu)

Gene: KDM1A (lysine demethylase 1A; plus strand). Cytogenetic location: 1p36.12.
Variant type: single nucleotide variant.
Coding change: c.1865C>T on transcript NM_001009999.3 (MANE Select); coding-DNA position 1865, C replaced by T.
Protein change: p.Ser622Leu; replaces serine 622 with leucine.
Molecular consequence: missense variant.
Genome position (GRCh38, 1-based): chr1:23,077,358, C>T. VCF-style: chr1-23077358-C-T. GRCh37 (hg19) VCF-style: chr1-23403851-C-T.
Other names: c.1811C>T, p.Ser604Leu (NM_001363654.2); c.1871C>T, p.Ser624Leu (NM_001410762.1); c.1793C>T, p.Ser598Leu (NM_001410763.1, NM_015013.4); short protein forms S622L, S604L, S598L, S624L.
Identifiers: ClinVar variation 4042129 (VCV004042129.1).

ClinVar aggregate classification (germline): Uncertain significance (1 of 4 stars; one submission).

Conditions:
Inborn genetic diseases. Identifiers: MedGen C0950123, MeSH D030342.

Submission:

Ambry Genetics
Classification: Uncertain significance for Inborn genetic diseases. Last evaluated: 2025-05-06. Review status: criteria provided, single submitter. Criteria: Ambry Variant Classification Scheme 2023. Collection method: clinical testing. Allele origin: germline.
Comment: The p.S622L variant (also known as c.1865C>T), located in coding exon 16 of the KDM1A gene, results from a C to T substitution at nucleotide position 1865. The serine at codon 622 is replaced by leucine, an amino acid with dissimilar properties. This amino acid position is conserved. In addition, this alteration is predicted to be tolerated by in silico analysis. Based on the available evidence, the clinical significance of this variant remains unclear.